The following is an entry in ClinVar:

ClinVar aggregate classification (germline): Uncertain significance (1 of 4 stars; one submission).

Conditions:
Inborn genetic diseases. Identifiers: MedGen C0950123, MeSH D030342.

Submission:

Ambry Genetics
Classification: Uncertain significance for Inborn genetic diseases. Last evaluated: 2024-01-12. Review status: criteria provided, single submitter. Criteria: Ambry Variant Classification Scheme 2023. Collection method: clinical testing. Allele origin: germline.
Comment: The c.1205_1219del15 (p.E402_T406del) alteration, located in exon 9 (coding exon 7) of the SATB2 gene, results from an in-frame deletion of 15 nucleotides at positions c.1205 to c.1219. This results in the deletion of 5 amino acids from codon 402 to 406. This variant was not reported in population-based cohorts in the Genome Aggregation Database (gnomAD). These amino acid positions are well conserved in available vertebrate species. This alteration is predicted to be deleterious by in silico analysis (Choi, 2012). Based on insufficient or conflicting evidence, the clinical significance of this alteration remains unclear.

NM_001172509.2(SATB2):c.1205_1219del (p.Glu402_Thr406del)

Gene: SATB2 (SATB homeobox 2; minus strand). Cytogenetic location: 2q33.1.
Variant type: Deletion.
Coding change: c.1205_1219del on transcript NM_001172509.2 (MANE Select); coding-DNA positions 1205 to 1219, 15 bases deleted (AAGACCCTCGGACAG).
Protein change: p.Glu402_Thr406del.
Molecular consequence: inframe deletion.
Genome position (GRCh38, 1-based): chr2:199,328,865-199,328,879, CTGTCCGAGGGTCTT deleted on the plus strand (AAGACCCTCGGACAG on the coding strand, the reverse complement: SATB2 is on the minus strand); deleting any 15 consecutive bases within chr2:199,328,865-199,328,881 gives the same sequence; the c. name uses the placement nearest the transcript's 3' end. VCF-style (leftmost placement, unchanged base first): chr2-199328864-GCTGTCCGAGGGTCTT-G. GRCh37 (hg19) VCF-style: chr2-200193587-GCTGTCCGAGGGTCTT-G.
Other names: c.1205_1219del, p.Glu402_Thr406del (NM_001172517.1, NM_015265.4).
Identifiers: ClinVar variation 3157930 (VCV003157930.1), dbSNP rs2468868445, ClinGen allele CA2825001060.